The following is an entry in ClinVar:

NM_001378615.1(CC2D2A):c.3230_3232dup (p.His1077_Ala1078insAsp)

Genes: CC2D2A (coiled-coil and C2 domain containing 2A; plus strand), FBXL5 (F-box and leucine rich repeat protein 5; minus strand). Cytogenetic location: 4p15.32.
Variant type: Duplication.
Coding change: c.3230_3232dup on transcript NM_001378615.1 (MANE Select); coding-DNA positions 3230 to 3232, 3 bases duplicated (ATG; older notation c.3230_3232dupATG).
Protein change: p.His1077_Ala1078insAsp.
Molecular consequence: inframe insertion.
Genome position (GRCh38, 1-based): chr4:15,567,424-15,567,426, ATG duplicated. VCF-style (leftmost placement, unchanged base first): chr4-15567423-C-CATG. GRCh37 (hg19) VCF-style: chr4-15569046-C-CATG.
Other names: c.3230_3232dup, p.His1077_Ala1078insAsp (NM_001080522.2); c.3083_3085dup, p.His1028_Ala1029insAsp (NM_001378617.1).
Identifiers: ClinVar variation 1500967 (VCV001500967.3), dbSNP rs756426571, ClinGen allele CA2864109.

ClinVar aggregate classification (germline): Uncertain significance (1 of 4 stars; one submission).

Conditions:
Joubert syndrome. Also called: JOUBERT-BOLTSHAUSER SYNDROME; Familial aplasia of the vermis. Identifiers: Orphanet 475, MedGen C5979921, MONDO:0018772.
Meckel-Gruber syndrome. Also called: DYSENCEPHALIA SPLANCHNOCYSTICA; GRUBER SYNDROME; Dysencephalia splachnocystica. Identifiers: Orphanet 564, MedGen C0265215, MONDO:0018921.

Allele frequency attached by ClinVar (database versions not stated): gnomAD exomes below 0.00001; ExAC 0.00001; gnomAD 0.00001 and 0.00002; TOPMed 0.00002; ESP Exome Variant Server 0.00008.

Submission:

Labcorp Genetics (formerly Invitae), Labcorp
Classification: Uncertain significance for Joubert syndrome; Meckel-Gruber syndrome. Last evaluated: 2021-09-16. Review status: criteria provided, single submitter. Criteria: Invitae Variant Classification Sherloc (09022015). Collection method: clinical testing. Allele origin: germline.
Comment: This variant, c.3230_3232dup, results in the insertion of 1 amino acid(s) to the CC2D2A protein (p.His1077_Ala1078insAsp), but otherwise preserves the integrity of the reading frame. This variant is present in population databases (rs756426571, ExAC 0.01%). This variant has not been reported in the literature in individuals affected with CC2D2A-related conditions. Experimental studies and prediction algorithms are not available or were not evaluated, and the functional significance of this variant is currently unknown. In summary, the available evidence is currently insufficient to determine the role of this variant in disease. Therefore, it has been classified as a Variant of Uncertain Significance.